The following is an entry in ClinVar:

NM_006440.5(TXNRD2):c.1091G>T (p.Arg364Leu)

Gene: TXNRD2 (thioredoxin reductase 2; minus strand). Cytogenetic location: 22q11.21.
Variant type: single nucleotide variant.
Coding change: c.1091G>T on transcript NM_006440.5 (MANE Select); coding-DNA position 1091, G replaced by T.
Protein change: p.Arg364Leu; replaces arginine 364 with leucine.
Molecular consequence: missense variant. On other transcripts: non-coding transcript variant (1).
Genome position (GRCh38, 1-based): chr22:19,880,713, C>A on the plus strand (G>T on the coding strand, the complement: TXNRD2 is on the minus strand). VCF-style: chr22-19880713-C-A. GRCh37 (hg19) VCF-style: chr22-19868236-C-A.
Other names: c.1088G>T, p.Arg363Leu (NM_001352300.2); c.1001G>T, p.Arg334Leu (NM_001352301.2); c.803G>T, p.Arg268Leu (NM_001352302.2); short protein forms R363L, R268L, R334L, R364L.
Identifiers: ClinVar variation 1467305 (VCV001467305.6), dbSNP rs199734322, ClinGen allele CA410682070.

ClinVar aggregate classification (germline): Uncertain significance (1 of 4 stars; one submission).

Conditions:
Primary dilated cardiomyopathy (DCM). Also called: Dilated Cardiomyopathy. Identifiers: Orphanet 217604, MedGen C0007193, MeSH D002311, MONDO:0005021, HP:0001644. Inheritance: Various modes of inheritance.

gnomAD v4.1: 1 of 1,609,380 alleles (0.000062%); highest among the groups gnomAD compares: Non-Finnish European, 0.000085%; no homozygotes.

Submission:

Labcorp Genetics (formerly Invitae), Labcorp
Classification: Uncertain significance for Primary dilated cardiomyopathy. Last evaluated: 2023-07-06. Review status: criteria provided, single submitter. Criteria: Invitae Variant Classification Sherloc (09022015). Collection method: clinical testing. Allele origin: germline.
Comment: In summary, the available evidence is currently insufficient to determine the role of this variant in disease. Therefore, it has been classified as a Variant of Uncertain Significance. Advanced modeling of protein sequence and biophysical properties (such as structural, functional, and spatial information, amino acid conservation, physicochemical variation, residue mobility, and thermodynamic stability) performed at Invitae indicates that this missense variant is not expected to disrupt TXNRD2 protein function. ClinVar contains an entry for this variant (Variation ID: 1467305). This variant has not been reported in the literature in individuals affected with TXNRD2-related conditions. This variant is not present in population databases (gnomAD no frequency). This sequence change replaces arginine, which is basic and polar, with leucine, which is neutral and non-polar, at codon 364 of the TXNRD2 protein (p.Arg364Leu).